The following is an entry in ClinVar:

ClinVar aggregate classification (germline): Uncertain significance (1 of 4 stars; one submission).

Conditions:
Hereditary diffuse gastric adenocarcinoma (HDGC). Also called: DIFFUSE GASTRIC AND LOBULAR BREAST CANCER SYNDROME. Identifiers: Orphanet 26106, MedGen C1708349, MONDO:0007648, OMIM 137215.

Submission:

European Reference Network on Genetic Tumour Risk Syndromes (ERN-GENTURIS), i3s - Instituto de Investigação e Inovação em Saúde, University of Porto
Classification: Uncertain significance for Hereditary diffuse gastric adenocarcinoma. Last evaluated: 2022-08-01. Review status: criteria provided, single submitter. Criteria: Lee et al. (Hum Mutat. 2018). Collection method: clinical testing. Allele origin: germline. Inheritance: Autosomal dominant inheritance. Affected: no. Study: ERN GENTURIS.
Comment: PM2 (PMID: 30311375)

Literature cited by the submitters: PubMed 36436516.

NM_004360.5(CDH1):c.519A>C (p.Lys173Asn)

Gene: CDH1 (cadherin 1; plus strand). Cytogenetic location: 16q22.1.
Variant type: single nucleotide variant.
Coding change: c.519A>C on transcript NM_004360.5 (MANE Select); coding-DNA position 519, A replaced by C.
Protein change: p.Lys173Asn; replaces lysine 173 with asparagine.
Molecular consequence: missense variant. On other transcripts: 5 prime UTR variant (2).
Genome position (GRCh38, 1-based): chr16:68,808,555, A>C. VCF-style: chr16-68808555-A-C. GRCh37 (hg19) VCF-style: chr16-68842458-A-C.
Other names: c.519A>C, p.Lys173Asn (NM_001317184.2); c.-1097A>C (NM_001317185.2); c.-1301A>C (NM_001317186.2); short protein forms K173N.
Identifiers: ClinVar variation 2503041 (VCV002503041.1), dbSNP rs2152129820, ClinGen allele CA396457797.
Genomic context (GRCh38, chr16:68,808,555, plus strand): 5'-GAGAGACTGGGTTATTCCTCCCATCAGCTGCCCAGAAAATGAAAAAGGCCCATTTCCTAA[A>C]AACCTGGTTCAGGTAGAGAAAGAAGTTCTCTGTTTCTCTGGGAGGGATTTGGCAGAGAAG-3'
Protein context (NP_004351.1, residues 163-183): CPENEKGPFP[Lys173Asn]NLVQIKSNKD